The following is an entry in ClinVar:

NM_000465.4(BARD1):c.128G>C (p.Arg43Pro)

Gene: BARD1 (BRCA1 associated RING domain 1; minus strand). Cytogenetic location: 2q35.
Variant type: single nucleotide variant.
Coding change: c.128G>C on transcript NM_000465.4 (MANE Select); coding-DNA position 128, G replaced by C.
Protein change: p.Arg43Pro; replaces arginine 43 with proline.
Molecular consequence: missense variant. On other transcripts: non-coding transcript variant (3).
Genome position (GRCh38, 1-based): chr2:214,809,442, C>G on the plus strand (G>C on the coding strand, the complement: BARD1 is on the minus strand). VCF-style: chr2-214809442-C-G. GRCh37 (hg19) VCF-style: chr2-215674166-C-G.
Other names: c.128G>C, p.Arg43Pro (NM_001282543.2, NM_001282545.2, NM_001282548.2 and 1 more transcripts); short protein forms R43P.
Identifiers: ClinVar variation 495872 (VCV000495872.10), dbSNP rs1060501305, ClinGen allele CA350464910.

ClinVar aggregate classification (germline): Uncertain significance. Review status: criteria provided, multiple submitters, no conflicts (2 of 4 stars). 6 submissions from 6 submitters: Uncertain significance (6). Last evaluated 2025-09-15.

Conditions:
Hereditary breast ovarian cancer syndrome. Also called: Breast and ovarian cancer; BRCA1- and BRCA2-Associated Hereditary Breast and Ovarian Cancer; Hereditary breast and ovarian cancer syndrome (HBOC); Hereditary breast and ovarian cancer; Hereditary breast and/or ovarian cancer syndrome; Hereditary breast and ovarian cancer syndrome. Identifiers: Orphanet 145, MedGen C0677776, MeSH D061325, MONDO:0003582. Disease mechanism: loss of function.
Hereditary cancer-predisposing syndrome. Also called: Tumor predisposition; Neoplastic Syndromes, Hereditary; Hereditary neoplastic syndrome; Hereditary Cancer Syndrome. Identifiers: Orphanet 140162, MedGen C0027672, MeSH D009386, MONDO:0015356.
Familial cancer of breast. Also called: Hereditary breast cancer; hereditary breast carcinoma; BREAST CANCER, FAMILIAL. Identifiers: Orphanet 227535, MedGen C0346153, MONDO:0016419, OMIM 114480. Disease mechanism: loss of function.

gnomAD v4.1: 1 of 1,611,866 alleles (0.000062%); highest among the groups gnomAD compares: African/African-American, 0.0013%; no homozygotes.

Submissions (6):

Ambry Genetics
Classification: Uncertain significance for Hereditary cancer-predisposing syndrome. Last evaluated: 2025-09-15. Review status: criteria provided, single submitter. Criteria: Ambry Variant Classification Scheme 2023. Collection method: clinical testing. Allele origin: germline.
Comment: The p.R43P variant (also known as c.128G>C), located in coding exon 1 of the BARD1 gene, results from a G to C substitution at nucleotide position 128. The arginine at codon 43 is replaced by proline, an amino acid with dissimilar properties. This amino acid position is highly conserved in available vertebrate species. In addition, the in silico prediction for this alteration is inconclusive. Based on the available evidence, the clinical significance of this variant remains unclear.

Labcorp Genetics (formerly Invitae), Labcorp
Classification: Uncertain significance for Familial cancer of breast. Last evaluated: 2024-10-24. Review status: criteria provided, single submitter. Criteria: Invitae Variant Classification Sherloc (09022015). Collection method: clinical testing. Allele origin: germline.
Comment: This sequence change replaces arginine, which is basic and polar, with proline, which is neutral and non-polar, at codon 43 of the BARD1 protein (p.Arg43Pro). This variant is not present in population databases (gnomAD no frequency). This variant has not been reported in the literature in individuals affected with BARD1-related conditions. ClinVar contains an entry for this variant (Variation ID: 495872). An algorithm developed to predict the effect of missense changes on protein structure and function (PolyPhen-2) suggests that this variant is likely to be disruptive. In summary, the available evidence is currently insufficient to determine the role of this variant in disease. Therefore, it has been classified as a Variant of Uncertain Significance.

Department of Pathology and Laboratory Medicine, Sinai Health System
Classification: Uncertain significance for Familial cancer of breast. Last evaluated: 2023-05-15. Review status: criteria provided, single submitter. Criteria: ACMG Guidelines, 2015. Collection method: clinical testing. Allele origin: germline. Affected: yes.

Women's Health and Genetics/Laboratory Corporation of America, LabCorp
Classification: Uncertain significance. Last evaluated: 2020-08-28. Review status: criteria provided, single submitter. Criteria: LabCorp Variant Classification Summary - May 2015. Collection method: clinical testing. Allele origin: germline.
Comment: Variant summary: BARD1 c.128G>C (p.Arg43Pro) results in a non-conservative amino acid change located in the Zinc finger, RING-type domain (IPR039503) of the encoded protein sequence. Four of five in-silico tools predict a damaging effect of the variant on protein function. The variant was absent in 240628 control chromosomes (gnomAD). The available data on variant occurrences in the general population are insufficient to allow any conclusion about variant significance. To our knowledge, no occurrence of c.128G>C in individuals affected with Hereditary Breast and Ovarian Cancer Syndrome and no experimental evidence demonstrating its impact on protein function have been reported. Two other ClinVar submitters (evaluation after 2014) cite the variant as uncertain significance. Based on the evidence outlined above, the variant was classified as uncertain significance.

Cancer Genomics Group, Japanese Foundation For Cancer Research
Classification: Uncertain significance for Hereditary breast and ovarian cancer syndrome. Last evaluated: 2019-05-01. Review status: criteria provided, single submitter. Criteria: ACMG Guidelines, 2015. Collection method: research. Allele origin: germline. Affected: yes.

Color Diagnostics, LLC DBA Color Health
Classification: Uncertain significance for Hereditary cancer-predisposing syndrome. Last evaluated: 2019-02-06. Review status: criteria provided, single submitter. Criteria: ACMG Guidelines, 2015. Collection method: clinical testing. Allele origin: germline.